The following is an entry in ClinVar:

ClinVar aggregate classification (germline): Conflicting classifications of pathogenicity. Review status: criteria provided, conflicting classifications (1 of 4 stars). 2 submissions from 2 submitters: Pathogenic (1); Uncertain significance (1). Last evaluated 2026-01-07.

Conditions:
Cardiovascular phenotype. Identifiers: MedGen CN230736.
Naxos disease (NXD). Also called: CARDIOMYOPATHY, ARRHYTHMOGENIC RIGHT VENTRICULAR, WITH SKIN, HAIR, AND NAIL ABNORMALITIES; KERATOSIS PALMOPLANTARIS WITH ARRHYTHMOGENIC CARDIOMYOPATHY; MAL DE NAXOS; PALMOPLANTAR KERATODERMA WITH ARRHYTHMOGENIC RIGHT VENTRICULAR CARDIOMYOPATHY AND WOOLLY HAIR; WOOLLY HAIR, PALMOPLANTAR KERATODERMA, AND CARDIAC ABNORMALITIES. Identifiers: Orphanet 34217, MedGen C1832600, MONDO:0011017, OMIM 601214.
Arrhythmogenic right ventricular dysplasia 12. Also called: ARRHYTHMOGENIC RIGHT VENTRICULAR DYSPLASIA, FAMILIAL, 12. Identifiers: MedGen C1969081, MONDO:0012684, OMIM 611528.

Allele frequency attached by ClinVar (database versions not stated): ExAC 0.00001; gnomAD 0.00001; gnomAD exomes 0.00002.

Submissions (2):

Labcorp Genetics (formerly Invitae), Labcorp
Classification: Pathogenic for Arrhythmogenic right ventricular dysplasia 12; Naxos disease. Last evaluated: 2026-01-07. Review status: criteria provided, single submitter. Criteria: Invitae Variant Classification Sherloc (09022015). Collection method: clinical testing. Allele origin: germline.
Comment: This sequence change creates a premature translational stop signal (p.Ile306Serfs*56) in the JUP gene. It is expected to result in an absent or disrupted protein product. Loss-of-function variants in JUP are known to be pathogenic (PMID: 10902626). This variant is not present in population databases (gnomAD no frequency). This variant has not been reported in the literature in individuals affected with JUP-related conditions. ClinVar contains an entry for this variant (Variation ID: 1766035). For these reasons, this variant has been classified as Pathogenic.

Ambry Genetics
Classification: Uncertain significance for Cardiovascular phenotype. Last evaluated: 2022-07-19. Review status: criteria provided, single submitter. Criteria: Ambry Variant Classification Scheme 2023. Collection method: clinical testing. Allele origin: germline.
Comment: The c.916delA variant, located in coding exon 5 of the JUP gene, results from a deletion of one nucleotide at nucleotide position 916, causing a translational frameshift with a predicted alternate stop codon (p.I306Sfs*56). This alteration is expected to result in loss of function by premature protein truncation or nonsense-mediated mRNA decay. However, although loss of function of JUP is pathogenic with respect to autosomal recessive disease, loss of function has not been clearly established as a mechanism of disease for autosomal dominant arrhythmogenic right ventricular cardiomyopathy (AD ARVC). Since evidence supporting a role for this alteration in AD ARVC is limited at this time, the clinical significance of this alteration remains unclear.

Literature cited by the submitters: PubMed 10902626 (cited by Labcorp Genetics (formerly Invitae), Labcorp).

NM_002230.4(JUP):c.916del (p.Ile306fs)

Gene: JUP (junction plakoglobin; minus strand). Cytogenetic location: 17q21.2.
Variant type: Deletion.
Coding change: c.916del on transcript NM_002230.4 (MANE Select); coding-DNA position 916, one base deleted (A; older notation c.916delA).
Protein change: p.Ile306fs; shifts the reading frame from isoleucine 306.
Molecular consequence: frameshift variant.
Genome position (GRCh38, 1-based): chr17:41,765,061, T deleted on the plus strand (A on the coding strand, the reverse complement: JUP is on the minus strand). VCF-style (leftmost placement, unchanged base first): chr17-41765060-AT-A. GRCh37 (hg19) VCF-style: chr17-39921312-AT-A.
Other names: c.916del, p.Ile306fs (NM_001352773.2, NM_001352774.2, NM_001352775.2 and 3 more transcripts); short protein forms I306fs.
Identifiers: ClinVar variation 1766035 (VCV001766035.7), dbSNP rs782648921, ClinGen allele CA8565340.
Genomic context (GRCh38, chr17:41,765,060, plus strand): 5'-TTTTCATAACTGTAGTTACGCATGATCTGCACGAGGGCCTGGGGCCCACCATTGGCCAGG[AT>A]GATCAGCTATGGGTAAAGAGGGAATGAGTGTGAGATGGACGGGGAATATGACAGGAACAA-3'